The following is an entry in ClinVar:

ClinVar aggregate classification (germline): Uncertain significance (1 of 4 stars; one submission).

Conditions:
UTP4-related disorder. Also called: UTP4-related condition.

gnomAD v4.1: 4 of 1,614,066 alleles (0.00025%); highest among the groups gnomAD compares: East Asian, 0.0067%; no homozygotes.

Submission:

PreventionGenetics, part of Exact Sciences
Classification: Uncertain significance for UTP4-related condition. Last evaluated: 2025-04-02. Review status: criteria provided, single submitter. Criteria: ACMG Guidelines, 2015. Collection method: clinical testing. Allele origin: germline.
Comment: The UTP4 c.2014A>G variant is predicted to result in the amino acid substitution p.Ile672Val. To our knowledge, this variant has not been reported in the literature. This variant is reported in 0.011% of alleles in individuals of East Asian descent in gnomAD. At this time, the clinical significance of this variant is uncertain due to the absence of conclusive functional and genetic evidence.

NM_032830.3(UTP4):c.2014A>G (p.Ile672Val)

Gene: UTP4 (UTP4 small subunit processome component). Cytogenetic location: 16q22.1.
Variant type: single nucleotide variant.
Coding change: c.2014A>G on transcript NM_032830.3 (MANE Select); coding-DNA position 2014, A replaced by G.
Protein change: p.Ile672Val; replaces isoleucine 672 with valine.
Molecular consequence: missense variant.
Genome position (GRCh38, 1-based): chr16:69,168,890, A>G. VCF-style: chr16-69168890-A-G. GRCh37 (hg19) VCF-style: chr16-69202793-A-G.
Other names: c.1765A>G, p.Ile589Val (NM_001318391.2); short protein forms I589V, I672V.
Identifiers: ClinVar variation 4990460 (VCV004990460.1).